The following is an entry in ClinVar:

ClinVar aggregate classification (germline): Uncertain significance (1 of 4 stars; one submission).

Conditions:
Hereditary cancer-predisposing syndrome. Also called: Tumor predisposition; Neoplastic Syndromes, Hereditary; Hereditary neoplastic syndrome; Hereditary Cancer Syndrome. Identifiers: Orphanet 140162, MedGen C0027672, MeSH D009386, MONDO:0015356.

Submission:

Ambry Genetics
Classification: Uncertain significance for Hereditary cancer-predisposing syndrome. Last evaluated: 2025-07-18. Review status: criteria provided, single submitter. Criteria: Ambry Variant Classification Scheme 2023. Collection method: clinical testing. Allele origin: germline.
Comment: The p.H280N variant (also known as c.838C>A), located in coding exon 8 of the MITF gene, results from a C to A substitution at nucleotide position 838. The histidine at codon 280 is replaced by asparagine, an amino acid with similar properties. This amino acid position is conserved. In addition, this alteration is predicted to be tolerated by in silico analysis. Based on the available evidence, the clinical significance of this variant remains unclear.

NM_001354604.2(MITF):c.1159C>A (p.His387Asn)

Gene: MITF (melanocyte inducing transcription factor; plus strand). Cytogenetic location: 3p13.
Variant type: single nucleotide variant.
Coding change: c.1159C>A on transcript NM_001354604.2 (MANE Select); coding-DNA position 1159, C replaced by A.
Protein change: p.His387Asn; replaces histidine 387 with asparagine.
Molecular consequence: missense variant.
Genome position (GRCh38, 1-based): chr3:69,959,400, C>A. VCF-style: chr3-69959400-C-A. GRCh37 (hg19) VCF-style: chr3-70008551-C-A.
Other names: c.838C>A, p.His280Asn (NM_000248.4); c.1156C>A, p.His386Asn (NM_001354605.2); c.985C>A, p.His329Asn (NM_001184967.2, NM_001354608.2); c.1138C>A, p.His380Asn (NM_001354606.2, NM_006722.3); c.1090C>A, p.His364Asn (NM_001354607.2); c.820C>A, p.His274Asn (NM_198158.3); c.1141C>A, p.His381Asn (NM_198159.3); c.1093C>A, p.His365Asn (NM_198177.3); and 1 more; short protein forms H218N, H329N, H365N, H380N, H381N, H274N, H386N, H280N.
Identifiers: ClinVar variation 4108291 (VCV004108291.1).